The following is an entry in ClinVar:

ClinVar aggregate classification (germline): Uncertain significance (1 of 4 stars; one submission).

Submission:

Labcorp Genetics (formerly Invitae), Labcorp
Classification: Uncertain significance. Last evaluated: 2025-10-09. Review status: criteria provided, single submitter. Criteria: Invitae Variant Classification Sherloc (09022015). Collection method: clinical testing. Allele origin: germline.
Comment: This sequence change replaces isoleucine, which is neutral and non-polar, with phenylalanine, which is neutral and non-polar, at codon 636 of the MYH7B protein (p.Ile636Phe). This variant is not present in population databases (gnomAD no frequency). This variant has not been reported in the literature in individuals affected with MYH7B-related conditions. Invitae Evidence Modeling of protein sequence and biophysical properties (such as structural, functional, and spatial information, amino acid conservation, physicochemical variation, residue mobility, and thermodynamic stability) indicates that this missense variant is expected to disrupt MYH7B protein function with a positive predictive value of 80%. In summary, the available evidence is currently insufficient to determine the role of this variant in disease. Therefore, it has been classified as a Variant of Uncertain Significance.

NM_020884.7(MYH7B):c.1780A>T (p.Ile594Phe)

Gene: MYH7B (myosin heavy chain 7B; plus strand). Cytogenetic location: 20q11.22.
Variant type: single nucleotide variant.
Coding change: c.1780A>T on transcript NM_020884.7 (MANE Select); coding-DNA position 1780, A replaced by T.
Protein change: p.Ile594Phe; replaces isoleucine 594 with phenylalanine.
Molecular consequence: missense variant.
Genome position (GRCh38, 1-based): chr20:34,990,026, A>T. VCF-style: chr20-34990026-A-T. GRCh37 (hg19) VCF-style: chr20-33577829-A-T.
Other names: short protein forms I594F.
Identifiers: ClinVar variation 4781660 (VCV004781660.1).
Genomic context (GRCh38, chr20:34,990,026, plus strand): 5'-CTGCTCCAGGTCTCCCACCCGGGCTCAGCACCTGACTTGTCTCTCCAGGTGCCTTACAGC[A>T]TTGTGGGCTGGCTGGAGAAAAACAAGGATCCCCTGAATGAGACCGTGGTCCCCATCTTCC-3'
Protein context (NP_065935.4, residues 584-604): VHYAGVVPYS[Ile594Phe]VGWLEKNKDP